The following is an entry in ClinVar:

NM_020911.2(PLXNA4):c.5679C>T (p.Asp1893=)

Gene: PLXNA4 (plexin A4; minus strand). Cytogenetic location: 7q32.3.
Variant type: single nucleotide variant.
Coding change: c.5679C>T on transcript NM_020911.2 (MANE Select); coding-DNA position 5679, C replaced by T.
Protein change: p.Asp1893=; no amino-acid change (aspartic acid 1893 retained).
Molecular consequence: synonymous variant.
Genome position (GRCh38, 1-based): chr7:132,130,485, G>A on the plus strand (C>T on the coding strand, the complement: PLXNA4 is on the minus strand). VCF-style: chr7-132130485-G-A. GRCh37 (hg19) VCF-style: chr7-131815244-G-A.
Other names: c.5679C>T, p.Asp1893= (NM_001393897.1).
Identifiers: ClinVar variation 4984573 (VCV004984573.1).

ClinVar aggregate classification (germline): Likely benign (1 of 4 stars; one submission).

Conditions:
PLXNA4-related disorder. Also called: PLXNA4-related condition.

gnomAD v4.1: 9 of 1,614,104 alleles (0.00056%); highest among the groups gnomAD compares: African/African-American, 0.0013%; no homozygotes.

Submission:

PreventionGenetics, part of Exact Sciences
Classification: Likely benign for PLXNA4-related condition. Last evaluated: 2026-05-08. Review status: criteria provided, single submitter. Criteria: ACMG Guidelines, 2015. Collection method: clinical testing. Allele origin: germline.
Comment: This variant is classified as likely benign based on ACMG/AMP sequence variant interpretation guidelines (Richards et al. 2015 PMID: 25741868, with internal and published modifications).